The following is an entry in ClinVar:

ClinVar aggregate classification (germline): Uncertain significance (0 of 4 stars; one submission).

Conditions:
C4BPA-related disorder. Also called: C4BPA-related condition.

Allele frequency attached by ClinVar (database versions not stated): ExAC 0.00001; gnomAD exomes 0.00001; TOPMed 0.00002.

Submission:

PreventionGenetics, part of Exact Sciences
Classification: Uncertain significance for C4BPA-related condition. Last evaluated: 2024-02-05. Review status: no assertion criteria provided. Collection method: clinical testing. Allele origin: germline.
Comment: The C4BPA c.1291A>G variant is predicted to result in the amino acid substitution p.Lys431Glu. To our knowledge, this variant has not been reported in the literature. This variant is reported in 0.0036% of alleles in individuals of European (non-Finnish) descent in gnomAD. At this time, the clinical significance of this variant is uncertain due to the absence of conclusive functional and genetic evidence.

NM_000715.4(C4BPA):c.1291A>G (p.Lys431Glu)

Gene: C4BPA (complement component 4 binding protein alpha; plus strand). Cytogenetic location: 1q32.2.
Variant type: single nucleotide variant.
Coding change: c.1291A>G on transcript NM_000715.4 (MANE Select); coding-DNA position 1291, A replaced by G.
Protein change: p.Lys431Glu; replaces lysine 431 with glutamic acid.
Molecular consequence: missense variant.
Genome position (GRCh38, 1-based): chr1:207,141,123, A>G. VCF-style: chr1-207141123-A-G. GRCh37 (hg19) VCF-style: chr1-207314468-A-G.
Other names: short protein forms K431E.
Identifiers: ClinVar variation 3048307 (VCV003048307.2), dbSNP rs750449256, ClinGen allele CA1367744.